The following is an entry in ClinVar:

NM_000400.4(ERCC2):c.443A>G (p.His148Arg)

Gene: ERCC2 (ERCC excision repair 2, TFIIH core complex helicase subunit; minus strand). Cytogenetic location: 19q13.32.
Variant type: single nucleotide variant.
Coding change: c.443A>G on transcript NM_000400.4 (MANE Select); coding-DNA position 443, A replaced by G.
Protein change: p.His148Arg; replaces histidine 148 with arginine.
Molecular consequence: missense variant.
Genome position (GRCh38, 1-based): chr19:45,365,076, T>C on the plus strand (A>G on the coding strand, the complement: ERCC2 is on the minus strand). VCF-style: chr19-45365076-T-C. GRCh37 (hg19) VCF-style: chr19-45868334-T-C.
Other names: c.371A>G, p.His124Arg (NM_001130867.2); short protein forms H124R, H148R.
Identifiers: ClinVar variation 1740608 (VCV001740608.2), dbSNP rs775063508, ClinGen allele CA9513787.
Genomic context (GRCh38, chr19:45,365,076, plus strand): 5'-CTCCCTCAGCCCTGCCCTCCAGTAACCTCATAGAATCGGCAGTGGGGCAGGCTGGTGTCA[T>C]GCTGGTACTGCGCCCGCACATAGGAGGCTGTGAGGCTGTGGCATTTCCCATCGACGTCCT-3'
Protein context (NP_000391.1, residues 138-158): TASYVRAQYQ[His148Arg]DTSLPHCRFY

ClinVar aggregate classification (germline): Uncertain significance (1 of 4 stars; one submission).

Conditions:
Inborn genetic diseases. Identifiers: MedGen C0950123, MeSH D030342.

Allele frequency attached by ClinVar (database versions not stated): ExAC 0.00001; gnomAD exomes 0.00003.

Submission:

Ambry Genetics
Classification: Uncertain significance for Inborn genetic diseases. Last evaluated: 2021-10-04. Review status: criteria provided, single submitter. Criteria: Ambry Variant Classification Scheme 2023. Collection method: clinical testing. Allele origin: germline.
Comment: The p.H148R variant (also known as c.443A>G), located in coding exon 6 of the ERCC2 gene, results from an A to G substitution at nucleotide position 443. The histidine at codon 148 is replaced by arginine, an amino acid with highly similar properties. This amino acid position is conserved. In addition, the in silico prediction for this alteration is inconclusive. Since supporting evidence is limited at this time, the clinical significance of this alteration remains unclear.